The following is an entry in ClinVar:

NM_000142.5(FGFR3):c.1916C>T (p.Ala639Val)

Gene: FGFR3 (fibroblast growth factor receptor 3; plus strand). Cytogenetic location: 4p16.3.
Variant type: single nucleotide variant.
Coding change: c.1916C>T on transcript NM_000142.5 (MANE Select); coding-DNA position 1916, C replaced by T.
Protein change: p.Ala639Val; replaces alanine 639 with valine.
Molecular consequence: missense variant. On other transcripts: non-coding transcript variant (1).
Genome position (GRCh38, 1-based): chr4:1,806,130, C>T. VCF-style: chr4-1806130-C-T. GRCh37 (hg19) VCF-style: chr4-1807857-C-T.
Other names: c.1922C>T, p.Ala641Val (NM_001163213.2); c.1919C>T, p.Ala640Val (NM_001354809.2, NM_001354810.2); c.1580C>T, p.Ala527Val (NM_022965.4); short protein forms A527V, A639V, A640V, A641V.
Identifiers: ClinVar variation 2430872 (VCV002430872.1), dbSNP rs2108807209, ClinGen allele CA355982524.
Genomic context (GRCh38, chr4:1,806,130, plus strand): 5'-CTGCCCGCAATGTGCTGGTGACCGAGGACAACGTGATGAAGATCGCAGACTTCGGGCTGG[C>T]CCGGGACGTGCACAACCTCGACTACTACAAGAAGACGACCAACGTGAGCCCGGCCCTGGG-3'
Protein context (NP_000133.1, residues 629-649): NVMKIADFGL[Ala639Val]RDVHNLDYYK

ClinVar aggregate classification (germline): Uncertain significance (1 of 4 stars; one submission).

Submission:

GeneDx
Classification: Uncertain significance. Last evaluated: 2023-02-16. Review status: criteria provided, single submitter. Criteria: GeneDx Variant Classification Process June 2021. Collection method: clinical testing. Allele origin: germline. Affected: yes.
Comment: Not observed at significant frequency in large population cohorts (gnomAD); In silico analysis supports that this missense variant has a deleterious effect on protein structure/function; Has not been previously published as pathogenic or benign to our knowledge